The following is an entry in ClinVar:

ClinVar aggregate classification (germline): Uncertain significance. Review status: criteria provided, multiple submitters, no conflicts (2 of 4 stars). 2 submissions from 2 submitters: Uncertain significance (2). Last evaluated 2023-04-18.

Conditions:
Inborn genetic diseases. Identifiers: MedGen C0950123, MeSH D030342.

Allele frequency attached by ClinVar (database versions not stated): gnomAD exomes below 0.00001.
gnomAD v4.1: 4 of 1,613,654 alleles (0.00025%); highest among the groups gnomAD compares: South Asian, 0.0033%; no homozygotes.

Submissions (2):

Ambry Genetics
Classification: Uncertain significance for Inborn genetic diseases. Last evaluated: 2023-04-18. Review status: criteria provided, single submitter. Criteria: Ambry Variant Classification Scheme 2023. Collection method: clinical testing. Allele origin: germline.

Labcorp Genetics (formerly Invitae), Labcorp
Classification: Uncertain significance. Last evaluated: 2021-12-22. Review status: criteria provided, single submitter. Criteria: Invitae Variant Classification Sherloc (09022015). Collection method: clinical testing. Allele origin: germline.
Comment: This sequence change replaces cysteine, which is neutral and slightly polar, with tyrosine, which is neutral and polar, at codon 222 of the TRMU protein (p.Cys222Tyr). This variant is present in population databases (no rsID available, gnomAD 0.003%). This variant has not been reported in the literature in individuals affected with TRMU-related conditions. Algorithms developed to predict the effect of missense changes on protein structure and function (SIFT, PolyPhen-2, Align-GVGD) all suggest that this variant is likely to be disruptive. In summary, the available evidence is currently insufficient to determine the role of this variant in disease. Therefore, it has been classified as a Variant of Uncertain Significance.

NM_018006.5(TRMU):c.665G>A (p.Cys222Tyr)

Gene: TRMU (tRNA mitochondrial 2-thiouridylase; plus strand). Cytogenetic location: 22q13.31.
Variant type: single nucleotide variant.
Coding change: c.665G>A on transcript NM_018006.5 (MANE Select); coding-DNA position 665, G replaced by A.
Protein change: p.Cys222Tyr; replaces cysteine 222 with tyrosine.
Molecular consequence: missense variant. On other transcripts: non-coding transcript variant (2).
Genome position (GRCh38, 1-based): chr22:46,352,134, G>A. VCF-style: chr22-46352134-G-A. GRCh37 (hg19) VCF-style: chr22-46748031-G-A.
Other names: c.*109G>A (NM_001008568.2); c.*203G>A (NM_001008570.2); c.323G>A, p.Cys108Tyr (NM_001282782.2); c.245G>A, p.Cys82Tyr (NM_001282783.2, NM_001282784.2); c.665G>A, p.Cys222Tyr (NM_001282785.2); c.665G>A (NM_018006.4); short protein forms C82Y, C108Y, C222Y.
Identifiers: ClinVar variation 1944403 (VCV001944403.4), dbSNP rs1345113060, ClinGen allele CA411946137.